The following is an entry in ClinVar:

NM_000465.4(BARD1):c.1078C>G (p.Pro360Ala)

Gene: BARD1 (BRCA1 associated RING domain 1; minus strand). Cytogenetic location: 2q35.
Variant type: single nucleotide variant.
Coding change: c.1078C>G on transcript NM_000465.4 (MANE Select); coding-DNA position 1078, C replaced by G.
Protein change: p.Pro360Ala; replaces proline 360 with alanine.
Molecular consequence: missense variant. On other transcripts: non-coding transcript variant (2), intron variant (3).
Genome position (GRCh38, 1-based): chr2:214,780,796, G>C on the plus strand (C>G on the coding strand, the complement: BARD1 is on the minus strand). VCF-style: chr2-214780796-G-C. GRCh37 (hg19) VCF-style: chr2-215645520-G-C.
Other names: c.1021C>G, p.Pro341Ala (NM_001282543.2); c.159-28241C>G (NM_001282548.2); c.215+16265C>G (NM_001282545.2); c.364+11501C>G (NM_001282549.2); short protein forms P341A, P360A.
Identifiers: ClinVar variation 660310 (VCV000660310.9), dbSNP rs1210369014, ClinGen allele CA350454102.

ClinVar aggregate classification (germline): Uncertain significance (1 of 4 stars; one submission).

Conditions:
Familial cancer of breast. Also called: Hereditary breast cancer; hereditary breast carcinoma; BREAST CANCER, FAMILIAL. Identifiers: Orphanet 227535, MedGen C0346153, MONDO:0016419, OMIM 114480. Disease mechanism: loss of function.

Submission:

Labcorp Genetics (formerly Invitae), Labcorp
Classification: Uncertain significance for Familial cancer of breast. Last evaluated: 2018-08-02. Review status: criteria provided, single submitter. Criteria: Invitae Variant Classification Sherloc (09022015). Collection method: clinical testing. Allele origin: germline.
Comment: This sequence change replaces proline with alanine at codon 360 of the BARD1 protein (p.Pro360Ala). The proline residue is moderately conserved and there is a small physicochemical difference between proline and alanine. This variant is not present in population databases (ExAC no frequency). This variant has not been reported in the literature in individuals with BARD1-related disease. Algorithms developed to predict the effect of missense changes on protein structure and function (SIFT, PolyPhen-2, Align-GVGD) all suggest that this variant is likely to be tolerated, but these predictions have not been confirmed by published functional studies and their clinical significance is uncertain. In summary, the available evidence is currently insufficient to determine the role of this variant in disease. Therefore, it has been classified as a Variant of Uncertain Significance.